The following is an entry in ClinVar:

NM_006231.4(POLE):c.3526G>A (p.Asp1176Asn)

Gene: POLE (DNA polymerase epsilon, catalytic subunit; minus strand). Cytogenetic location: 12q24.33.
Variant type: single nucleotide variant.
Coding change: c.3526G>A on transcript NM_006231.4 (MANE Select); coding-DNA position 3526, G replaced by A.
Protein change: p.Asp1176Asn; replaces aspartic acid 1176 with asparagine.
Molecular consequence: missense variant.
Genome position (GRCh38, 1-based): chr12:132,657,192, C>T on the plus strand (G>A on the coding strand, the complement: POLE is on the minus strand). VCF-style: chr12-132657192-C-T. GRCh37 (hg19) VCF-style: chr12-133233778-C-T.
Other names: c.3526G>A (NM_006231.2); short protein forms D1176N.
Identifiers: ClinVar variation 966162 (VCV000966162.9), dbSNP rs2042562476, ClinGen allele CA387388529.

ClinVar aggregate classification (germline): Uncertain significance. Review status: criteria provided, multiple submitters, no conflicts (2 of 4 stars). 2 submissions from 2 submitters: Uncertain significance (2). Last evaluated 2025-04-07.

Conditions:
Hereditary cancer-predisposing syndrome. Also called: Hereditary neoplastic syndrome; Neoplastic Syndromes, Hereditary; Hereditary Cancer Syndrome; Tumor predisposition. Identifiers: Orphanet 140162, MedGen C0027672, MeSH D009386, MONDO:0015356.

gnomAD v4.1: 5 of 1,614,008 alleles (0.00031%); highest among the groups gnomAD compares: Non-Finnish European, 0.00042%; no homozygotes.

Submissions (2):

Labcorp Genetics (formerly Invitae), Labcorp
Classification: Uncertain significance. Last evaluated: 2025-04-07. Review status: criteria provided, single submitter. Criteria: Invitae Variant Classification Sherloc (09022015). Collection method: clinical testing. Allele origin: germline.
Comment: This sequence change replaces aspartic acid, which is acidic and polar, with asparagine, which is neutral and polar, at codon 1176 of the POLE protein (p.Asp1176Asn). This variant is not present in population databases (gnomAD no frequency). This variant has not been reported in the literature in individuals affected with POLE-related conditions. ClinVar contains an entry for this variant (Variation ID: 966162). Invitae Evidence Modeling of protein sequence and biophysical properties (such as structural, functional, and spatial information, amino acid conservation, physicochemical variation, residue mobility, and thermodynamic stability) indicates that this missense variant is not expected to disrupt POLE protein function with a negative predictive value of 80%. In summary, the available evidence is currently insufficient to determine the role of this variant in disease. Therefore, it has been classified as a Variant of Uncertain Significance.

Ambry Genetics
Classification: Uncertain significance for Hereditary cancer-predisposing syndrome. Last evaluated: 2023-07-03. Review status: criteria provided, single submitter. Criteria: Ambry Variant Classification Scheme 2023. Collection method: clinical testing. Allele origin: germline.
Comment: The p.D1176N variant (also known as c.3526G>A), located in coding exon 29 of the POLE gene, results from a G to A substitution at nucleotide position 3526. The aspartic acid at codon 1176 is replaced by asparagine, an amino acid with highly similar properties. This amino acid position is conserved. In addition, this alteration is predicted to be tolerated by in silico analysis. Since supporting evidence is limited at this time, the clinical significance of this alteration remains unclear.